The following is an entry in ClinVar:

NM_000038.6(APC):c.56A>G (p.Glu19Gly)

Gene: APC (APC regulator of Wnt signaling pathway; plus strand). Cytogenetic location: 5q22.2.
Variant type: single nucleotide variant.
Coding change: c.56A>G on transcript NM_000038.6 (MANE Select); coding-DNA position 56, A replaced by G.
Protein change: p.Glu19Gly; replaces glutamic acid 19 with glycine.
Molecular consequence: missense variant. On other transcripts: 5 prime UTR variant (1), intron variant (8).
Genome position (GRCh38, 1-based): chr5:112,754,946, A>G. VCF-style: chr5-112754946-A-G. GRCh37 (hg19) VCF-style: chr5-112090643-A-G.
Other names: c.56A>G, p.Glu19Gly (NM_001127510.3, NM_001354895.2, NM_001354896.2 and 16 more transcripts); c.-980A>G (NM_001354906.2, NM_001407470.1, NM_001407471.1 and 1 more transcripts); c.166-11380A>G (NM_001354897.2, NM_001354902.2, NM_001127511.3); c.61-11380A>G (NM_001354898.2, NM_001354904.2); c.-42-11380A>G (NM_001354900.2, NM_001354901.2, NM_001354905.2); short protein forms E19G.
Identifiers: ClinVar variation 1749144 (VCV001749144.3), dbSNP rs1754787233, ClinGen allele CA16021462.

ClinVar aggregate classification (germline): Uncertain significance. Review status: criteria provided, multiple submitters, no conflicts (2 of 4 stars). 2 submissions from 2 submitters: Uncertain significance (2). Last evaluated 2023-05-04.

Conditions:
Hereditary cancer-predisposing syndrome. Also called: Hereditary Cancer Syndrome; Hereditary neoplastic syndrome; Neoplastic Syndromes, Hereditary; Tumor predisposition. Identifiers: Orphanet 140162, MedGen C0027672, MeSH D009386, MONDO:0015356.
Classic or attenuated familial adenomatous polyposis. Identifiers: MedGen CN372698, MONDO:0021057.

Submissions (2):

All of Us Research Program, National Institutes of Health
Classification: Uncertain significance for Classic or attenuated familial adenomatous polyposis. Last evaluated: 2023-05-04. Review status: criteria provided, single submitter. Criteria: ACMG Guidelines, 2015. Collection method: clinical testing. Allele origin: germline. Inheritance: Autosomal dominant inheritance. Observed: 1 variant allele, 1 heterozygote.
Comment: This missense variant replaces glutamic acid with glycine at codon 19 of the APC protein. Computational prediction suggests that this variant may not impact protein structure and function (internally defined REVEL score threshold <= 0.5, PMID: 27666373). To our knowledge, functional studies have not been reported for this variant. This variant has not been reported in individuals affected with APC-related disorders in the literature. This variant has not been identified in the general population by the Genome Aggregation Database (gnomAD). The available evidence is insufficient to determine the role of this variant in disease conclusively. Therefore, this variant is classified as a Variant of Uncertain Significance.

This study involves interpretation of variants in research participants for the purpose of population health screening. Participant phenotype was not available at the time of variant classification. Additional details can be found in publication PMID: 35346344, PMCID: PMC8962531

Ambry Genetics
Classification: Uncertain significance for Hereditary cancer-predisposing syndrome. Last evaluated: 2022-06-30. Review status: criteria provided, single submitter. Criteria: Ambry Variant Classification Scheme 2023. Collection method: clinical testing. Allele origin: germline.
Comment: The p.E19G variant (also known as c.56A>G), located in coding exon 1 of the APC gene, results from an A to G substitution at nucleotide position 56. The glutamic acid at codon 19 is replaced by glycine, an amino acid with similar properties. This amino acid position is highly conserved in available vertebrate species. In addition, in silico predictors for this gene do not accurately predict pathogenicity. Since supporting evidence is limited at this time, the clinical significance of this alteration remains unclear.